The following is an entry in ClinVar:

NM_020975.6(RET):c.1875C>A (p.Ile625=)

Gene: RET (ret proto-oncogene; plus strand). Cytogenetic location: 10q11.21.
Variant type: single nucleotide variant.
Coding change: c.1875C>A on transcript NM_020975.6 (MANE Select); coding-DNA position 1875, C replaced by A.
Protein change: p.Ile625=; no amino-acid change (isoleucine 625 retained).
Molecular consequence: synonymous variant. On other transcripts: intron variant (2).
Genome position (GRCh38, 1-based): chr10:43,113,671, C>A. VCF-style: chr10-43113671-C-A. GRCh37 (hg19) VCF-style: chr10-43609119-C-A.
Other names: c.1113C>A, p.Ile371= (NM_001355216.2); c.1875C>A, p.Ile625= (NM_001406743.1, NM_001406744.1, NM_001406759.1 and 4 more transcripts); c.1746C>A, p.Ile582= (NM_001406761.1, NM_001406762.1, NM_001406764.1 and 1 more transcripts); c.1587C>A, p.Ile529= (NM_001406766.1, NM_001406767.1, NM_001406770.1); c.1479C>A, p.Ile493= (NM_001406769.1, NM_001406772.1); c.1437C>A, p.Ile479= (NM_001406771.1, NM_001406773.1); c.1350C>A, p.Ile450= (NM_001406774.1); c.1149C>A, p.Ile383= (NM_001406775.1, NM_001406776.1, NM_001406777.1 and 1 more transcripts); and 7 more.
Identifiers: ClinVar variation 3904725 (VCV003904725.1).

ClinVar aggregate classification (germline): Benign (1 of 4 stars; one submission).

Conditions:
Multiple endocrine neoplasia type 2A. Also called: Multiple Endocrine Neoplasia Type 2A (MEN2A); MULTIPLE ENDOCRINE NEOPLASIA, TYPE IIA; PTC SYNDROME; SIPPLE SYNDROME; MEN 2A; MEN-2A syndrome. Identifiers: Orphanet 247698, Orphanet 653, MedGen C0025268, MeSH D018813, MONDO:0008234, OMIM 171400.

Submission:

Myriad Genetics, Inc.
Classification: Benign for Multiple endocrine neoplasia type 2A. Last evaluated: 2025-02-26. Review status: criteria provided, single submitter. Criteria: Myriad Autosomal Dominant, Autosomal Recessive and X-Linked Classification Criteria (2023). Collection method: clinical testing. Allele origin: unknown.
Comment: This variant is considered benign. This variant is a silent/synonymous amino acid change and it is not expected to impact splicing.